The following is an entry in ClinVar:

ClinVar aggregate classification (germline): Pathogenic/Likely pathogenic. Review status: criteria provided, multiple submitters, no conflicts (2 of 4 stars). 26 submissions from 25 submitters: Pathogenic (15); Likely pathogenic (1). 10 of the submissions do not count toward it. Last evaluated 2026-06-16.

Conditions:
ALG8-related disorder.
Cystic renal disease.
ALG8 congenital disorder of glycosylation. Also called: ALG8-CDG; CONGENITAL DISORDER OF GLYCOSYLATION, TYPE Ih; CDG Ih. Identifiers: Orphanet 79325, MedGen C2931002, MONDO:0011969, OMIM 608104.
Polycystic liver disease 3 with or without kidney cysts. Identifiers: MedGen C4693472, MONDO:0054743, OMIM 617874.
Inborn genetic diseases. Identifiers: MedGen C0950123, MeSH D030342.
Familial cystic renal disease. Identifiers: Orphanet 93587, MedGen C5680285, MONDO:0019741.
Autosomal dominant polycystic liver disease. Also called: Congenital cystic disease of liver; Polycystic liver disease. Identifiers: Orphanet 2924, MedGen C0158683, MONDO:0000447, HP:0006557.

Allele frequency attached by ClinVar (database versions not stated): ESP Exome Variant Server 0.00008; gnomAD exomes 0.00006 and 0.00008; gnomAD 0.00008 and 0.00010; ExAC 0.00004; TOPMed 0.00011.
gnomAD v4.1: 133 of 1,614,060 alleles (0.0082%); highest among the groups gnomAD compares: Non-Finnish European, 0.01%; no homozygotes.

Submissions 1 to 7 of 26:

PreventionGenetics, part of Exact Sciences
Classification: Pathogenic for ALG8-related condition. Last evaluated: 2026-06-16. Review status: criteria provided, single submitter. Criteria: ACMG Guidelines, 2015. Collection method: clinical testing. Allele origin: germline.
Comment: The ALG8 c.1090C>T variant is predicted to result in premature protein termination (p.Arg364*). This variant has been reported in the compound heterozygous state in individuals with congenital disorder of glycosylation type 1h (see for example, Vesela et al. 2009. PubMed ID: 19688606; Höck et al. 2015. PubMed ID: 26066342). In addition, this variant has also been reported in the heterozygous state in individuals with polycystic liver and/or kidney disease (Besse et al. 2017. PubMed ID: 28375157; Supplementary Data, Doreille et al. 2023. PubMed ID: 36938085; Boerrigter et al. 2023. PubMed ID: 37628703; Apple et al. 2022. PubMed ID: 36574950). Nonsense variants in ALG8 are expected to be pathogenic for both ALG8-related autosomal recessive and dominant disorders. This variant is reported in 0.011% of alleles in individuals of European (Non-Finnish) descent in gnomAD. This variant is interpreted as pathogenic for both ALG8-related autosomal recessive and dominant disorders.

Labcorp Genetics (formerly Invitae), Labcorp
Classification: Pathogenic for ALG8 congenital disorder of glycosylation. Last evaluated: 2025-12-25. Review status: criteria provided, single submitter. Criteria: Invitae Variant Classification Sherloc (09022015). Collection method: clinical testing. Allele origin: germline.
Comment: This sequence change creates a premature translational stop signal (p.Arg364*) in the ALG8 gene. It is expected to result in an absent or disrupted protein product. However, the current clinical and genetic evidence is not sufficient to establish whether loss-of-function variants in ALG8 cause disease. This variant is present in population databases (rs376161880, gnomAD 0.01%). This premature translational stop signal has been observed in individual(s) with autosomal dominant polycystic kidney disease and/or congenital disorder of glycosylation type 1h (PMID: 19688606, 36574950). It has also been observed to segregate with disease in related individuals. ClinVar contains an entry for this variant (Variation ID: 280116). For these reasons, this variant has been classified as Pathogenic.

Variantyx, Inc.
Classification: Pathogenic for ALG8 congenital disorder of glycosylation. Last evaluated: 2025-11-24. Review status: criteria provided, single submitter. Criteria: Variantyx Assertion Criteria 2022. Collection method: clinical testing. Allele origin: germline. Inheritance: Autosomal recessive inheritance. Affected: no.
Comment: This is a nonsense variant in the ALG8 gene (OMIM: 608103). Pathogenic variants in this gene have been associated with autosomal recessive congenital disorder of glycosylation type Ih. This variant introduces a premature termination codon in exon 10 out of 13 and is expected to result in loss of function, which is a known disease mechanism for ALG8 in this disorder (PVS1). This variant has been identified in the homozygous or compound heterozygous state in at least two individuals reported in the published literature (PMID: 26066342, 19688606) (PM3). It has a 0.0100% maximum allele frequency in non-founder control populations (PM2). Based on the current evidence, this variant is classified as pathogenic for autosomal recessive congenital disorder of glycosylation type Ih.

Genetics Laboratory, Great Ormond Street Hospital NHS Foundation Trust, North Thames Genomic Laboratory Hub
Classification: Pathogenic for Cystic renal disease. Last evaluated: 2025-11-21. Review status: criteria provided, single submitter. Criteria: ACGS Best Practice Guidelines for Variant Classification in Rare Disease 2024 v1.2. Collection method: clinical testing. Allele origin: germline. Affected: yes.
Comment: PS4_moderate, PM2_moderate, PVS1_very-strong

Mayo Translational Polycystic Kidney Disease Center, Mayo Clinic
Classification: Pathogenic for Familial cystic renal disease. Last evaluated: 2025-06-01. Review status: criteria provided, single submitter. Criteria: ACMG Guidelines, 2015. Collection method: research. Allele origin: germline. Inheritance: Autosomal dominant inheritance. Affected: yes.
Comment: The c.1090C>T variant in the ALG8 gene results in a premature stop codon at amino acid position 364 (p.Arg364Ter), producing a truncated protein product. This type of nonsense mutation is predicted to lead to loss of normal protein function through disruption of critical domains, satisfying the PVS1 criterion. The variant has been reported in multiple heterozygous individuals with polycystic kidney and/or liver disease across unrelated families, providing supporting evidence for segregation with disease (PP1) (Jawaid, 2025). Additionally, it has been reported in individuals with congenital disorder of glycosylation and polycystic kidney/liver phenotypes, further reinforcing its pathogenic role. The allele frequency of this variant in the general population is extremely low (<0.01% in gnomAD v4.1.0), fulfilling PM2. Given the established association of ALG8 loss-of-function variants with disease, c.1090C>T is classified as pathogenic.

Victorian Clinical Genetics Services, Murdoch Childrens Research Institute
Classification: Pathogenic for Polycystic liver disease 3 with or without kidney cysts. Last evaluated: 2024-11-19. Review status: criteria provided, single submitter. Criteria: ACMG Guidelines, 2015. Collection method: clinical testing. Allele origin: germline. Affected: yes.
Comment: This variant is classified as Pathogenic. Evidence in support of pathogenic classification: Variant is predicted to cause nonsense-mediated decay (NMD) and loss of protein (premature termination codon is located at least 54 nucleotides upstream of the final exon-exon junction); Variant is present in gnomAD (v4) <0.01 (133 heterozygotes, 0 homozygotes); This variant has strong previous evidence of pathogenicity in unrelated individuals. This variant has been reported multiple times as pathogenic, and observed in compound heterozygous patients with congenital disorder of glycosylation and heterozygous patients with polycystic liver disease and renal cysts (ClinVar, PMID: 28375157, PMID: 26066342, PMID: 19688606); Other NMD-predicted variant(s) comparable to the one identified in this case have very strong previous evidence for pathogenicity. These variants have been reported in compound heterozygous patients with congenital disorder of glycosylation (CDG) and heterozygous patients with polycystic liver disease (PLD) (DECIPHER, ClinVar, PMID: 28375157, PMID: 26066342). Additional information: This variant is heterozygous; This gene is associated with both recessive and dominant disease, where the same variants have been reported to cause both conditions (PMID: 28375157; PMID: 26066342); Loss of function is a known mechanism of disease in this gene and is associated with congenital disorder of glycosylation, type Ih (MIM#608104) and polycystic liver disease 3 with or without kidney cysts (MIM#617874); Variants in this gene are known to have variable expressivity (OMIM); Inheritance information for this variant is not currently available in this individual.

GeneDx
Classification: Pathogenic. Last evaluated: 2024-11-07. Review status: criteria provided, single submitter. Criteria: GeneDx Variant Classification Process June 2021. Collection method: clinical testing. Allele origin: germline. Affected: yes.
Comment: Observed in the heterozygous state in multiple unrelated individuals with polycystic liver disease (PMID: 28375157); Not observed at significant frequency in large population cohorts (gnomAD); Nonsense variant predicted to result in protein truncation or nonsense mediated decay in a gene for which loss of function is a known mechanism of disease; This variant is associated with the following publications: (PMID: 25525159, 26066342, 22306853, 34426522, 31589614, 28375157, 36574950, 36938085, 37628703, 19688606)

NM_024079.5(ALG8):c.1090C>T (p.Arg364Ter)

Gene: ALG8 (ALG8 alpha-1,3-glucosyltransferase; minus strand). Cytogenetic location: 11q14.1.
Variant type: single nucleotide variant.
Coding change: c.1090C>T on transcript NM_024079.5 (MANE Select); coding-DNA position 1090, C replaced by T.
Protein change: p.Arg364Ter; replaces arginine 364 with a stop codon.
Molecular consequence: nonsense.
Genome position (GRCh38, 1-based): chr11:78,106,895, G>A on the plus strand (C>T on the coding strand, the complement: ALG8 is on the minus strand). VCF-style: chr11-78106895-G-A. GRCh37 (hg19) VCF-style: chr11-77817941-G-A.
Other names: c.1090C>T, p.Arg364Ter (NM_001007027.3); short protein forms R364*.
Identifiers: ClinVar variation 280116 (VCV000280116.64), dbSNP rs376161880, ClinGen allele CA6203220.